The following is an entry in ClinVar:

NM_001358530.2(MOCS1):c.1894G>A (p.Asp632Asn)

Gene: MOCS1 (molybdenum cofactor synthesis 1; minus strand). Cytogenetic location: 6p21.2.
Variant type: single nucleotide variant.
Coding change: c.1894G>A on transcript NM_001358530.2 (MANE Select); coding-DNA position 1894, G replaced by A.
Protein change: p.Asp632Asn; replaces aspartic acid 632 with asparagine.
Molecular consequence: missense variant. On other transcripts: 3 prime UTR variant (4), non-coding transcript variant (1).
Genome position (GRCh38, 1-based): chr6:39,906,374, C>T on the plus strand (G>A on the coding strand, the complement: MOCS1 is on the minus strand). VCF-style: chr6-39906374-C-T. GRCh37 (hg19) VCF-style: chr6-39874150-C-T.
Other names: c.*751G>A (NM_001075098.4, NM_001358533.2, NM_001358534.2 and 1 more transcripts); c.1846G>A, p.Asp616Asn (NM_001358529.2); c.1633G>A, p.Asp545Asn (NM_001358531.2); short protein forms D616N, D545N, D632N.
Identifiers: ClinVar variation 2097926 (VCV002097926.1), dbSNP rs1332360995, ClinGen allele CA364038545.

ClinVar aggregate classification (germline): Uncertain significance (1 of 4 stars; one submission).

Conditions:
Sulfite oxidase deficiency due to molybdenum cofactor deficiency type A. Also called: Molybdenum Cofactor Deficiency A; Molybdenum cofactor deficiency, complementation group A. Identifiers: Orphanet 308386, Orphanet 833, MedGen C1854988, MONDO:0009643, OMIM 252150.

Allele frequency attached by ClinVar (database versions not stated): gnomAD 0.00003.
gnomAD v4.1: 77 of 1,595,160 alleles (0.0048%); highest among the groups gnomAD compares: Non-Finnish European, 0.0061%; no homozygotes.

Submission:

Labcorp Genetics (formerly Invitae), Labcorp
Classification: Uncertain significance for Sulfite oxidase deficiency due to molybdenum cofactor deficiency type A. Last evaluated: 2022-08-21. Review status: criteria provided, single submitter. Criteria: Invitae Variant Classification Sherloc (09022015). Collection method: clinical testing. Allele origin: germline.
Comment: This sequence change replaces aspartic acid, which is acidic and polar, with asparagine, which is neutral and polar, at codon 632 of the MOCS1 protein (p.Asp632Asn). This variant is present in population databases (no rsID available, gnomAD 0.003%). This variant has not been reported in the literature in individuals affected with MOCS1-related conditions. Algorithms developed to predict the effect of missense changes on protein structure and function are either unavailable or do not agree on the potential impact of this missense change (SIFT: "Not Available"; PolyPhen-2: "Possibly Damaging"; Align-GVGD: "Not Available"). In summary, the available evidence is currently insufficient to determine the role of this variant in disease. Therefore, it has been classified as a Variant of Uncertain Significance.